The following is an entry in ClinVar:

NM_177438.3(DICER1):c.4488_4496del (p.Glu1499_Phe1501del)

Gene: DICER1 (dicer 1, ribonuclease III; minus strand). Cytogenetic location: 14q32.13.
Variant type: Deletion.
Coding change: c.4488_4496del on transcript NM_177438.3 (MANE Select); coding-DNA positions 4488 to 4496, 9 bases deleted (AGATTTTGA; older notation c.4488_4496delAGATTTTGA).
Protein change: p.Glu1499_Phe1501del.
Molecular consequence: inframe deletion. On other transcripts: inframe indel (1), non-coding transcript variant (6).
Genome position (GRCh38, 1-based): chr14:95,096,424-95,096,432, TCAAAATCT deleted on the plus strand (AGATTTTGA on the coding strand, the reverse complement: DICER1 is on the minus strand). VCF-style (leftmost placement, unchanged base first): chr14-95096423-CTCAAAATCT-C. GRCh37 (hg19) VCF-style: chr14-95562760-CTCAAAATCT-C.
Other names: c.4488_4496del, p.Glu1499_Phe1501del (NM_001195573.1, NM_001271282.3, NM_001291628.2 and 12 more transcripts); c.4488_4496delAGATTTTGA, p.Glu1499_Phe1501del (NM_001395681.1); c.4206_4214del, p.Glu1405_Phe1407del (NM_001395686.1); c.4083_4091del, p.Glu1364_Phe1366del (NM_001395687.1, NM_001395688.1, NM_001395689.1 and 2 more transcripts); c.3921_3929del, p.Glu1310_Phe1312del (NM_001395691.1); c.2805_2813del, p.Glu938_Phe940del (NM_001395697.1).
Identifiers: ClinVar variation 2566179 (VCV002566179.2), dbSNP rs2542499960, ClinGen allele CA2580612809.

ClinVar aggregate classification (germline): Uncertain significance (1 of 4 stars; one submission).

Conditions:
Hereditary cancer-predisposing syndrome. Also called: Neoplastic Syndromes, Hereditary; Hereditary Cancer Syndrome; Hereditary neoplastic syndrome; Tumor predisposition. Identifiers: Orphanet 140162, MedGen C0027672, MeSH D009386, MONDO:0015356.

Submission:

Ambry Genetics
Classification: Uncertain significance for Hereditary cancer-predisposing syndrome. Last evaluated: 2023-04-28. Review status: criteria provided, single submitter. Criteria: Ambry Variant Classification Scheme 2023. Collection method: clinical testing. Allele origin: germline.
Comment: The c.4488_4496delAGATTTTGA variant (also known as p.E1499_F1501del) is located in coding exon 22 of the DICER1 gene. This variant results from an in-frame AGATTTTGA deletion at nucleotide positions 4488 to 4496. This results in the in-frame deletion of a glutamic acid, aspartic acid, and phenylalanine at codons 1499-1501. This amino acid position region well conserved in available vertebrate species. Since supporting evidence is limited at this time, the clinical significance of this alteration remains unclear.